The following is an entry in ClinVar:

NM_020376.4(PNPLA2):c.908G>A (p.Arg303Gln)

Gene: PNPLA2 (patatin like domain 2, triacylglycerol lipase; plus strand). Cytogenetic location: 11p15.5.
Variant type: single nucleotide variant.
Coding change: c.908G>A on transcript NM_020376.4 (MANE Select); coding-DNA position 908, G replaced by A.
Protein change: p.Arg303Gln; replaces arginine 303 with glutamine.
Molecular consequence: missense variant.
Genome position (GRCh38, 1-based): chr11:823,844, G>A. VCF-style: chr11-823844-G-A. GRCh37 (hg19) VCF-style: chr11-823844-G-A.
Other names: c.908G>A (NM_020376.3); short protein forms R303Q.
Identifiers: ClinVar variation 1034956 (VCV001034956.8), dbSNP rs754108863, ClinGen allele CA378981910.

ClinVar aggregate classification (germline): Uncertain significance. Review status: criteria provided, multiple submitters, no conflicts (2 of 4 stars). 2 submissions from 2 submitters: Uncertain significance (2). Last evaluated 2021-09-01.

Conditions:
Neutral lipid storage myopathy (NLSDM). Also called: NEUTRAL LIPID STORAGE DISEASE WITHOUT ICHTHYOSIS. Identifiers: Orphanet 98908, MedGen C1853136, MONDO:0012545, OMIM 610717.

Allele frequency attached by ClinVar (database versions not stated): TOPMed 0.00005.
gnomAD v4.1: 85 of 1,586,708 alleles (0.0054%); highest among the groups gnomAD compares: Non-Finnish European, 0.0071%; no homozygotes.

Submissions (2):

Labcorp Genetics (formerly Invitae), Labcorp
Classification: Uncertain significance for Neutral lipid storage myopathy. Last evaluated: 2021-09-01. Review status: criteria provided, single submitter. Criteria: Invitae Variant Classification Sherloc (09022015). Collection method: clinical testing. Allele origin: germline.
Comment: This sequence change replaces arginine with glutamine at codon 303 of the PNPLA2 protein (p.Arg303Gln). The arginine residue is moderately conserved and there is a small physicochemical difference between arginine and glutamine. This variant is not present in population databases (ExAC no frequency). This variant has not been reported in the literature in individuals affected with PNPLA2-related conditions. Algorithms developed to predict the effect of missense changes on protein structure and function (SIFT, PolyPhen-2, Align-GVGD) all suggest that this variant is likely to be tolerated. Algorithms developed to predict the effect of sequence changes on RNA splicing suggest that this variant may create or strengthen a splice site. In summary, the available evidence is currently insufficient to determine the role of this variant in disease. Therefore, it has been classified as a Variant of Uncertain Significance.

Revvity Omics, Revvity
Classification: Uncertain significance for Neutral lipid storage myopathy. Last evaluated: 2020-02-09. Review status: criteria provided, single submitter. Criteria: ACMG Guidelines, 2015. Collection method: clinical testing. Allele origin: germline.